The following is an entry in ClinVar:

NM_004656.4(BAP1):c.464_465insT (p.Lys155fs)

Gene: BAP1 (BRCA1 associated deubiquitinase 1; minus strand). Cytogenetic location: 3p21.1.
Variant type: Insertion.
Coding change: c.464_465insT on transcript NM_004656.4 (MANE Select); coding-DNA positions 464 to 465, T inserted.
Protein change: p.Lys155fs; shifts the reading frame from lysine 155.
Molecular consequence: frameshift variant.
Genome position: GRCh38 VCF-style: chr3-52407289-C-CA. GRCh37 (hg19) VCF-style: chr3-52441305-C-CA.
Other names: c.464_465insT, p.Lys155fs (NM_001410772.1); short protein forms K155fs.
Identifiers: ClinVar variation 4842540 (VCV004842540.1).
Genomic context (GRCh38, chr3:52,407,289, plus strand): 5'-AGGCACATAGCTGACAAAGTGGAACGCCTCCATGGTCCGCACTGCACTAAGGCCATTCTG[C>CA]TTCTCAGGGAGGTGGCGTGGCTCGGGCCTGGGGAAAAACAGAGTCAGGGCCCAAAAAATG-3'

ClinVar aggregate classification (germline): Pathogenic (1 of 4 stars; one submission).

Conditions:
Hereditary cancer-predisposing syndrome. Also called: Neoplastic Syndromes, Hereditary; Tumor predisposition; Hereditary Cancer Syndrome; Hereditary neoplastic syndrome. Identifiers: Orphanet 140162, MedGen C0027672, MeSH D009386, MONDO:0015356.

Submission:

Ambry Genetics
Classification: Pathogenic for Hereditary cancer-predisposing syndrome. Last evaluated: 2026-01-09. Review status: criteria provided, single submitter. Criteria: Ambry Variant Classification Scheme 2023. Collection method: clinical testing. Allele origin: germline.
Comment: The c.464_465insT variant, located in coding exon 7 of the BAP1 gene, results from an insertion of one nucleotide at position 464, causing a translational frameshift with a predicted alternate stop codon (p.K155Nfs*6). This variant is considered to be rare based on population cohorts in the Genome Aggregation Database (gnomAD). This alteration is expected to result in loss of function by premature protein truncation or nonsense-mediated mRNA decay. As such, this alteration is interpreted as a disease-causing mutation.